The following is an entry in ClinVar:

NM_005685.4(GTF2IRD1):c.1212T>C (p.Tyr404=)

Gene: GTF2IRD1 (GTF2I repeat domain containing 1; plus strand). Cytogenetic location: 7q11.23.
Variant type: single nucleotide variant.
Coding change: c.1212T>C on transcript NM_005685.4 (MANE Select); coding-DNA position 1212, T replaced by C.
Protein change: p.Tyr404=; no amino-acid change (tyrosine 404 retained).
Molecular consequence: synonymous variant.
Genome position (GRCh38, 1-based): chr7:74,529,855, T>C. VCF-style: chr7-74529855-T-C. GRCh37 (hg19) VCF-style: chr7-73944185-T-C.
Other names: c.1308T>C, p.Tyr436= (NM_001199207.2); c.1212T>C, p.Tyr404= (NM_016328.3); c.1308T>C (NM_001199207.1).
Identifiers: ClinVar variation 1252746 (VCV001252746.5), dbSNP rs2240357, ClinGen allele CA4296768.

ClinVar aggregate classification (germline): Benign. Review status: criteria provided, multiple submitters, no conflicts (2 of 4 stars). 3 submissions from 3 submitters: Benign (2). 1 of the submissions does not count toward it. Last evaluated 2020-01-24.

Conditions:
GTF2IRD1-related disorder. Also called: GTF2IRD1-related condition.

Allele frequency attached by ClinVar (database versions not stated): ESP Exome Variant Server 0.23397; gnomAD exomes 0.23602 and 0.24619; gnomAD 0.24124 and 0.24359; ExAC 0.24618; TOPMed 0.24953; 1000 Genomes Project 30x 0.27483; 1000 Genomes Project 0.28335.

Submissions (3):

GeneDx
Classification: Benign. Last evaluated: 2020-01-24. Review status: criteria provided, single submitter. Criteria: GeneDx Variant Classification Process June 2021. Collection method: clinical testing. Allele origin: germline. Affected: yes.

Breakthrough Genomics
Classification: Benign. Review status: criteria provided, single submitter. Criteria: ACMG Guidelines, 2015. Collection method: not provided. Allele origin: germline. Inheritance: Unknown mechanism. Affected: yes.

PreventionGenetics, part of Exact Sciences
Classification: Benign for GTF2IRD1-related condition. Last evaluated: 2019-10-17. Review status: no assertion criteria provided. Collection method: clinical testing. Allele origin: germline. Not counted in ClinVar's aggregate classification.
Comment: This variant is classified as benign based on ACMG/AMP sequence variant interpretation guidelines (Richards et al. 2015 PMID: 25741868, with internal and published modifications).